The following is an entry in ClinVar:

ClinVar aggregate classification (germline): Uncertain significance (1 of 4 stars; one submission).

Submission:

Ambry Genetics
Classification: Uncertain significance. Last evaluated: 2026-03-14. Review status: criteria provided, single submitter. Criteria: Ambry Variant Classification Scheme 2023. Collection method: clinical testing. Allele origin: germline.
Comment: The p.A1017V variant (also known as c.3050C>T), located in coding exon 11 of the WNK2 gene, results from a C to T substitution at nucleotide position 3050. The alanine at codon 1017 is replaced by valine, an amino acid with similar properties. This amino acid position is conserved. In addition, this alteration is predicted to be tolerated by in silico analysis. Based on the available evidence, the clinical significance of this variant remains unclear.

NM_006648.4(WNK2):c.3050C>T (p.Ala1017Val)

Gene: WNK2 (WNK lysine deficient protein kinase 2; plus strand). Cytogenetic location: 9q22.31.
Variant type: single nucleotide variant.
Coding change: c.3050C>T on transcript NM_006648.4 (MANE Select); coding-DNA position 3050, C replaced by T.
Protein change: p.Ala1017Val; replaces alanine 1017 with valine.
Molecular consequence: missense variant.
Genome position (GRCh38, 1-based): chr9:93,259,598, C>T. VCF-style: chr9-93259598-C-T. GRCh37 (hg19) VCF-style: chr9-96021880-C-T.
Other names: c.3050C>T, p.Ala1017Val (NM_001282394.3); short protein forms A1017V.
Identifiers: ClinVar variation 4826264 (VCV004826264.1).